The following is an entry in ClinVar:

ClinVar aggregate classification (germline): Uncertain significance (1 of 4 stars; one submission).

Conditions:
Hereditary cancer-predisposing syndrome. Also called: Neoplastic Syndromes, Hereditary; Tumor predisposition; Hereditary Cancer Syndrome; Hereditary neoplastic syndrome. Identifiers: Orphanet 140162, MedGen C0027672, MeSH D009386, MONDO:0015356.

Submission:

Ambry Genetics
Classification: Uncertain significance for Hereditary cancer-predisposing syndrome. Last evaluated: 2015-06-23. Review status: criteria provided, single submitter. Criteria: Ambry Variant Classification Scheme 2023. Collection method: clinical testing. Allele origin: germline.
Comment: The p.D543G variant (also known as c.1628A>G), located in coding exon 14 of the MRE11A gene, results from an A to G substitution at nucleotide position 1628. The aspartic acid at codon 543 is replaced by glycine, an amino acid with similar properties. This variant was not reported in population based cohorts in the following databases: Database of Single Nucleotide Polymorphisms (dbSNP), NHLBI Exome Sequencing Project (ESP), and 1000 Genomes Project. In the ESP, this variant was not observed in 6499 samples (12998 alleles) with coverage at this position. To date, this alteration has been detected with an allele frequency of approximately 0.002% (greater than 65000 alleles tested) in our clinical cohort. This amino acid position is not well conserved in available vertebrate species. In addition, this alteration is predicted to be tolerated by in silico analysis. Since supporting evidence is limited at this time, the clinical significance of p.D543G remains unclear.

NM_005591.4(MRE11):c.1628A>G (p.Asp543Gly)

Gene: MRE11 (MRE11 double strand break repair nuclease; minus strand). Cytogenetic location: 11q21.
Variant type: single nucleotide variant.
Coding change: c.1628A>G on transcript NM_005591.4 (MANE Select); coding-DNA position 1628, A replaced by G.
Protein change: p.Asp543Gly; replaces aspartic acid 543 with glycine.
Molecular consequence: missense variant.
Genome position (GRCh38, 1-based): chr11:94,447,374, T>C on the plus strand (A>G on the coding strand, the complement: MRE11 is on the minus strand). VCF-style: chr11-94447374-T-C. GRCh37 (hg19) VCF-style: chr11-94180540-T-C.
Other names: c.1628A>G, p.Asp543Gly (NM_001330347.2, NM_005590.4); short protein forms D543G.
Identifiers: ClinVar variation 232690 (VCV000232690.5), dbSNP rs876659924, ClinGen allele CA10579369.